The following is an entry in ClinVar:

ClinVar aggregate classification (germline): Likely pathogenic (1 of 4 stars; one submission).

Conditions:
Gaucher disease. Also called: Acute cerebral Gaucher disease; Cerebroside lipidosis syndrome; Gaucher splenomegaly; Sphingolipidosis 1; Glucocerebrosidosis; Glucosylceramidase deficiency. Identifiers: Orphanet 355, MedGen C0017205, MONDO:0018150.

Submission:

Natera, Inc.
Classification: Likely pathogenic for Gaucher disease. Last evaluated: 2024-09-26. Review status: criteria provided, single submitter. Criteria: Natera Variant Classification Schema (03/2026). Collection method: clinical testing. Allele origin: germline.
Comment: The c.1513A>T variant in GBA1 is a nonsense variant predicted to introduce a stop codon at amino acid 505. This variant is expected to result in nonsense mediated decay, truncation, or a dysfunctional protein product. This variant is rare in the general population with a frequency below the threshold expected for the associated phenotype(s). Given the available evidence, this variant is classified as Likely Pathogenic.

NM_000157.4(GBA1):c.1513A>T (p.Lys505Ter)

Genes: GBA1 (glucosylceramidase beta 1; minus strand), LOC106627981 (GBA recombination region; plus strand). Cytogenetic location: 1q22.
Variant type: single nucleotide variant.
Coding change: c.1513A>T on transcript NM_000157.4 (MANE Select); coding-DNA position 1513, A replaced by T.
Protein change: p.Lys505Ter; replaces lysine 505 with a stop codon.
Molecular consequence: nonsense.
Genome position (GRCh38, 1-based): chr1:155,235,093, T>A on the plus strand (A>T on the coding strand, the complement: GBA1 is on the minus strand). VCF-style: chr1-155235093-T-A. GRCh37 (hg19) VCF-style: chr1-155204884-T-A.
Other names: c.1513A>T, p.Lys505Ter (NM_001005741.3, NM_001005742.3); c.1252A>T, p.Lys418Ter (NM_001171811.2); c.1366A>T, p.Lys456Ter (NM_001171812.2); short protein forms K418*, K456*, K505*.
Identifiers: ClinVar variation 4817734 (VCV004817734.1).
Genomic context (GRCh38, chr1:155,235,093, plus strand): 5'-CAGGTGAGATTGTCTCCAGGAAGCCCACAGCAGGATCCTTGATGGTAAGAGGCACATCCT[T>A]AGAGGAGCTAGGGAGCAGGGAGGAGAAGCTGAGAGTGTGATCCTGCCAAGGCCCCCAACG-3'